The following is an entry in ClinVar:

NM_032620.4(GTPBP3):c.935G>A (p.Gly312Glu)

Gene: GTPBP3 (GTP binding protein 3, mitochondrial; plus strand). Cytogenetic location: 19p13.11.
Variant type: single nucleotide variant.
Coding change: c.935G>A on transcript NM_032620.4 (MANE Select); coding-DNA position 935, G replaced by A.
Protein change: p.Gly312Glu; replaces glycine 312 with glutamic acid.
Molecular consequence: missense variant.
Genome position (GRCh38, 1-based): chr19:17,339,560, G>A. VCF-style: chr19-17339560-G-A. GRCh37 (hg19) VCF-style: chr19-17450369-G-A.
Other names: c.935G>A, p.Gly312Glu (NM_001128855.3); c.1001G>A, p.Gly334Glu (NM_001195422.1); c.1031G>A, p.Gly344Glu (NM_133644.4); c.1031G>A (NM_133644.3); short protein forms G344E, G312E, G334E.
Identifiers: ClinVar variation 1393204 (VCV001393204.7), dbSNP rs376410285, ClinGen allele CA9293575.
Genomic context (GRCh38, chr19:17,339,560, plus strand): 5'-TCGACCTGGCCGGATTTCCTGTGCTGCTGAGCGACACGGCTGGGTTGCGGGAGGGCGTGG[G>A]GCCCGTGGAGCAGGAGGGCGTGCGGCGCGCCCGGGAGAGGTGGGCGGACAGGGTGGTGAT-3'
Protein context (NP_116009.2, residues 302-322): SDTAGLREGV[Gly312Glu]PVEQEGVRRA

ClinVar aggregate classification (germline): Uncertain significance. Review status: criteria provided, multiple submitters, no conflicts (2 of 4 stars). 2 submissions from 2 submitters: Uncertain significance (2). Last evaluated 2025-04-07.

Conditions:
Inborn genetic diseases. Identifiers: MedGen C0950123, MeSH D030342.

Allele frequency attached by ClinVar (database versions not stated): gnomAD exomes 0.00001 and 0.00002; TOPMed 0.00001; ExAC 0.00002; gnomAD 0.00002.

Submissions (2):

Labcorp Genetics (formerly Invitae), Labcorp
Classification: Uncertain significance. Last evaluated: 2025-04-07. Review status: criteria provided, single submitter. Criteria: Invitae Variant Classification Sherloc (09022015). Collection method: clinical testing. Allele origin: germline.
Comment: This sequence change replaces glycine, which is neutral and non-polar, with glutamic acid, which is acidic and polar, at codon 344 of the GTPBP3 protein (p.Gly344Glu). This variant is present in population databases (rs376410285, gnomAD 0.02%). This variant has not been reported in the literature in individuals affected with GTPBP3-related conditions. ClinVar contains an entry for this variant (Variation ID: 1393204). Invitae Evidence Modeling of protein sequence and biophysical properties (such as structural, functional, and spatial information, amino acid conservation, physicochemical variation, residue mobility, and thermodynamic stability) indicates that this missense variant is not expected to disrupt GTPBP3 protein function with a negative predictive value of 80%. In summary, the available evidence is currently insufficient to determine the role of this variant in disease. Therefore, it has been classified as a Variant of Uncertain Significance.

Ambry Genetics
Classification: Uncertain significance for Inborn genetic diseases. Last evaluated: 2023-12-11. Review status: criteria provided, single submitter. Criteria: Ambry Variant Classification Scheme 2023. Collection method: clinical testing. Allele origin: germline.